The following is an entry in ClinVar:

ClinVar aggregate classification (germline): Uncertain significance (1 of 4 stars; one submission).

Conditions:
Epileptic encephalopathy. Identifiers: MedGen C0543888, HP:0200134.

gnomAD v4.1: 1 of 1,612,530 alleles (0.000062%); highest among the groups gnomAD compares: Non-Finnish European, 0.000085%; no homozygotes.

Submission:

Labcorp Genetics (formerly Invitae), Labcorp
Classification: Uncertain significance for Epileptic encephalopathy. Last evaluated: 2024-10-16. Review status: criteria provided, single submitter. Criteria: Invitae Variant Classification Sherloc (09022015). Collection method: clinical testing. Allele origin: germline.
Comment: This sequence change replaces glycine, which is neutral and non-polar, with valine, which is neutral and non-polar, at codon 1163 of the FASN protein (p.Gly1163Val). This variant is not present in population databases (gnomAD no frequency). This variant has not been reported in the literature in individuals affected with FASN-related conditions. An algorithm developed to predict the effect of missense changes on protein structure and function (PolyPhen-2) suggests that this variant is likely to be tolerated. In summary, the available evidence is currently insufficient to determine the role of this variant in disease. Therefore, it has been classified as a Variant of Uncertain Significance.

NM_004104.5(FASN):c.3488G>T (p.Gly1163Val)

Gene: FASN (fatty acid synthase; minus strand). Cytogenetic location: 17q25.3.
Variant type: single nucleotide variant.
Coding change: c.3488G>T on transcript NM_004104.5 (MANE Select); coding-DNA position 3488, G replaced by T.
Protein change: p.Gly1163Val; replaces glycine 1163 with valine.
Molecular consequence: missense variant.
Genome position (GRCh38, 1-based): chr17:82,086,498, C>A on the plus strand (G>T on the coding strand, the complement: FASN is on the minus strand). VCF-style: chr17-82086498-C-A. GRCh37 (hg19) VCF-style: chr17-80044374-C-A.
Other names: short protein forms G1163V.
Identifiers: ClinVar variation 3612960 (VCV003612960.2).